The following is an entry in ClinVar:

NM_002692.4(POLE2):c.1249del (p.Glu417fs)

Gene: POLE2 (DNA polymerase epsilon 2, accessory subunit; minus strand). Cytogenetic location: 14q21.3.
Variant type: Deletion.
Coding change: c.1249del on transcript NM_002692.4 (MANE Select); coding-DNA position 1249, one base deleted (G; older notation c.1249delG).
Protein change: p.Glu417fs; shifts the reading frame from glutamic acid 417.
Molecular consequence: frameshift variant.
Genome position (GRCh38, 1-based): chr14:49,651,340, C deleted on the plus strand (G on the coding strand, the reverse complement: POLE2 is on the minus strand). VCF-style (leftmost placement, unchanged base first): chr14-49651339-TC-T. GRCh37 (hg19) VCF-style: chr14-50118057-TC-T.
Other names: c.1171del, p.Glu391fs (NM_001197330.2); c.1249del, p.Glu417fs (NM_001197331.3); c.1246del, p.Glu416fs (NM_001348384.2); c.1018del, p.Glu340fs (NM_001348385.2); short protein forms E391fs, E340fs, E416fs, E417fs.
Identifiers: ClinVar variation 2975250 (VCV002975250.3), dbSNP rs1235594573, ClinGen allele CA613833375.
Genomic context (GRCh38, chr14:49,651,339, plus strand): 5'-ATAGCCAAATTGCTGCTAGGAAAACGGACGCAGTTTCTGCACATTTTATTTACTAAGTCT[TC>T]ACGGAAGACAGTAATTTCCTGTGTACAGTACTGAATTCTGAAATGAAAACAGTAGTTGAA-3'

ClinVar aggregate classification (germline): Uncertain significance (1 of 4 stars; one submission).

Allele frequency attached by ClinVar (database versions not stated): gnomAD exomes below 0.00001.

Submission:

Labcorp Genetics (formerly Invitae), Labcorp
Classification: Uncertain significance. Last evaluated: 2023-08-02. Review status: criteria provided, single submitter. Criteria: Invitae Variant Classification Sherloc (09022015). Collection method: clinical testing. Allele origin: germline.
Comment: In summary, the available evidence is currently insufficient to determine the role of this variant in disease. Therefore, it has been classified as a Variant of Uncertain Significance. This variant has not been reported in the literature in individuals affected with POLE2-related conditions. This variant is present in population databases (no rsID available, gnomAD 0.0009%). This sequence change creates a premature translational stop signal (p.Glu417Lysfs*3) in the POLE2 gene. It is expected to result in an absent or disrupted protein product. However, the current clinical and genetic evidence is not sufficient to establish whether loss-of-function variants in POLE2 cause disease.